The following is an entry in ClinVar:

ClinVar aggregate classification (germline): Uncertain significance (1 of 4 stars; one submission).

Submission:

Women's Health and Genetics/Laboratory Corporation of America, LabCorp
Classification: Uncertain significance. Last evaluated: 2023-12-07. Review status: criteria provided, single submitter. Criteria: LabCorp Variant Classification Summary - May 2015. Collection method: clinical testing. Allele origin: germline.
Comment: Variant summary: FBXO38 c.2458A>C (p.Met820Leu) results in a conservative amino acid change in the encoded protein sequence. Five of five in-silico tools predict a benign effect of the variant on protein function. The variant was absent in 251078 control chromosomes (gnomAD). The available data on variant occurrences in the general population are insufficient to allow any conclusion about variant significance. To our knowledge, no occurrence of c.2458A>C in individuals affected with Distal Hereditary Motor Neuronopathy, Type 2D and no experimental evidence demonstrating its impact on protein function have been reported. No submitters have cited clinical-significance assessments for this variant to ClinVar after 2014. Based on the evidence outlined above, the variant was classified as uncertain significance.

NM_205836.3(FBXO38):c.2683A>C (p.Met895Leu)

Gene: FBXO38 (F-box protein 38; plus strand). Cytogenetic location: 5q32.
Variant type: single nucleotide variant.
Coding change: c.2683A>C on transcript NM_205836.3 (MANE Select); coding-DNA position 2683, A replaced by C.
Protein change: p.Met895Leu; replaces methionine 895 with leucine.
Molecular consequence: missense variant.
Genome position (GRCh38, 1-based): chr5:148,433,453, A>C. VCF-style: chr5-148433453-A-C. GRCh37 (hg19) VCF-style: chr5-147813016-A-C.
Other names: c.1948A>C, p.Met650Leu (NM_001271723.2); c.2458A>C, p.Met820Leu (NM_030793.5); short protein forms M650L, M820L, M895L.
Identifiers: ClinVar variation 2691516 (VCV002691516.1), dbSNP rs758909222, ClinGen allele CA361659201.